The following is an entry in ClinVar:

ClinVar aggregate classification (germline): Uncertain significance. Review status: criteria provided, multiple submitters, no conflicts (2 of 4 stars). 2 submissions from 2 submitters: Uncertain significance (2). Last evaluated 2024-02-01.

Conditions:
Kabuki syndrome. Also called: NIIKAWA-KUROKI SYNDROME; Kabuki make-up syndrome. Identifiers: Orphanet 2322, MedGen C0796004, MONDO:0016512.

Submissions (2):

CeGaT Center for Human Genetics Tuebingen
Classification: Uncertain significance. Last evaluated: 2024-02-01. Review status: criteria provided, single submitter. Criteria: CeGaT Center For Human Genetics Tuebingen Variant Classification Criteria Version 2. Collection method: clinical testing. Allele origin: germline. Affected: yes. Observed: 1 variant allele.
Comment: KMT2D: PM2, BP4

Labcorp Genetics (formerly Invitae), Labcorp
Classification: Uncertain significance for Kabuki syndrome. Last evaluated: 2023-07-03. Review status: criteria provided, single submitter. Criteria: Invitae Variant Classification Sherloc (09022015). Collection method: clinical testing. Allele origin: germline.
Comment: In summary, the available evidence is currently insufficient to determine the role of this variant in disease. Therefore, it has been classified as a Variant of Uncertain Significance. Advanced modeling of protein sequence and biophysical properties (such as structural, functional, and spatial information, amino acid conservation, physicochemical variation, residue mobility, and thermodynamic stability) performed at Invitae indicates that this missense variant is not expected to disrupt KMT2D protein function. This variant has not been reported in the literature in individuals affected with KMT2D-related conditions. This variant is not present in population databases (gnomAD no frequency). This sequence change replaces proline, which is neutral and non-polar, with leucine, which is neutral and non-polar, at codon 3096 of the KMT2D protein (p.Pro3096Leu).

NM_003482.4(KMT2D):c.9287C>T (p.Pro3096Leu)

Gene: KMT2D (lysine methyltransferase 2D; minus strand). Cytogenetic location: 12q13.12.
Variant type: single nucleotide variant.
Coding change: c.9287C>T on transcript NM_003482.4 (MANE Select); coding-DNA position 9287, C replaced by T.
Protein change: p.Pro3096Leu; replaces proline 3096 with leucine.
Molecular consequence: missense variant.
Genome position (GRCh38, 1-based): chr12:49,038,069, G>A on the plus strand (C>T on the coding strand, the complement: KMT2D is on the minus strand). VCF-style: chr12-49038069-G-A. GRCh37 (hg19) VCF-style: chr12-49431852-G-A.
Other names: short protein forms P3096L.
Identifiers: ClinVar variation 2732904 (VCV002732904.25), dbSNP rs2120489995, ClinGen allele CA384739004.